The following is an entry in ClinVar:

ClinVar aggregate classification (germline): Pathogenic (1 of 4 stars; one submission).

Conditions:
Charcot-Marie-Tooth disease axonal type 2P. Also called: CHARCOT-MARIE-TOOTH NEUROPATHY, TYPE 2P; CHARCOT-MARIE-TOOTH DISEASE, AXONAL, TYPE 2G; CMT 2G; Charcot-Marie-Tooth Neuropathy Type 2G. Identifiers: Orphanet 300319, Orphanet 99941, MedGen C3280797, MONDO:0013753, OMIM 614436.

Submission:

Labcorp Genetics (formerly Invitae), Labcorp
Classification: Pathogenic for Charcot-Marie-Tooth disease axonal type 2P. Last evaluated: 2020-02-15. Review status: criteria provided, single submitter. Criteria: Invitae Variant Classification Sherloc (09022015). Collection method: clinical testing. Allele origin: germline.
Comment: This sequence change creates a premature translational stop signal (p.Glu498Valfs*43) in the LRSAM1 gene. It is expected to result in an absent or disrupted protein product. This variant is not present in population databases (ExAC no frequency). This variant has not been reported in the literature in individuals with LRSAM1-related conditions. ClinVar contains an entry for this variant (Variation ID: 645695). Loss-of-function variants in LRSAM1 are known to be pathogenic (PMID: 20865121). For these reasons, this variant has been classified as Pathogenic.

Literature cited by the submitters: PubMed 20865121.

NM_001005373.4(LRSAM1):c.1493_1494del (p.Glu498fs)

Gene: LRSAM1 (leucine rich repeat and sterile alpha motif containing 1; plus strand). Cytogenetic location: 9q33.3.
Variant type: Microsatellite.
Coding change: c.1493_1494del on transcript NM_001005373.4 (MANE Select); coding-DNA positions 1493 to 1494, 2 bases deleted (AG; older notation c.1493_1494delAG).
Protein change: p.Glu498fs; shifts the reading frame from glutamic acid 498.
Molecular consequence: frameshift variant. On other transcripts: non-coding transcript variant (2), intron variant (1).
Genome position (GRCh38, 1-based): chr9:127,491,285-127,491,286, AG deleted; deleting any 2 consecutive bases within chr9:127,491,283-127,491,286 gives the same sequence; the c. name uses the placement nearest the transcript's 3' end. VCF-style (leftmost placement, unchanged base first): chr9-127491282-CAG-C. GRCh37 (hg19) VCF-style: chr9-130253561-CAG-C.
Other names: c.1493_1494del, p.Glu498fs (NM_001005374.4, NM_001384142.1, NM_001384143.1 and 1 more transcripts); c.704_705del, p.Glu235fs (NM_001384144.1); c.1423-1517_1423-1516del (NM_001190723.3); short protein forms E498fs, E235fs.
Identifiers: ClinVar variation 645695 (VCV000645695.6), dbSNP rs1588132672, ClinGen allele CA915947153.